The following is an entry in ClinVar:

NM_153460.4(IL17RC):c.700G>T (p.Gly234Cys)

Gene: IL17RC (interleukin 17 receptor C; plus strand). Cytogenetic location: 3p25.3.
Variant type: single nucleotide variant.
Coding change: c.700G>T on transcript NM_153460.4 (MANE Select); coding-DNA position 700, G replaced by T.
Protein change: p.Gly234Cys; replaces glycine 234 with cysteine.
Molecular consequence: missense variant. On other transcripts: non-coding transcript variant (1).
Genome position (GRCh38, 1-based): chr3:9,923,958, G>T. VCF-style: chr3-9923958-G-T. GRCh37 (hg19) VCF-style: chr3-9965642-G-T.
Other names: c.700G>T, p.Gly234Cys (NM_001203263.2, NM_001203264.2, NM_001367278.1); c.655G>T, p.Gly219Cys (NM_001203265.2, NM_001367280.1, NM_001410711.1 and 1 more transcripts); c.580G>T, p.Gly194Cys (NM_001367279.1); c.913G>T, p.Gly305Cys (NM_153461.4); short protein forms G194C, G219C, G234C, G305C.
Identifiers: ClinVar variation 1991341 (VCV001991341.4), dbSNP rs145374241, ClinGen allele CA2246930.

ClinVar aggregate classification (germline): Uncertain significance (1 of 4 stars; one submission).

Conditions:
Candidiasis, familial, 9 (CANDF9). Identifiers: Orphanet 1334, MedGen C4225324, MONDO:0014642, OMIM 616445.

gnomAD v4.1: 6 of 1,613,972 alleles (0.00037%); highest among the groups gnomAD compares: Admixed American, 0.01%; no homozygotes.

Submission:

Labcorp Genetics (formerly Invitae), Labcorp
Classification: Uncertain significance for Candidiasis, familial, 9. Last evaluated: 2025-07-24. Review status: criteria provided, single submitter. Criteria: Invitae Variant Classification Sherloc (09022015). Collection method: clinical testing. Allele origin: germline.
Comment: This sequence change replaces glycine, which is neutral and non-polar, with cysteine, which is neutral and slightly polar, at codon 305 of the IL17RC protein (p.Gly305Cys). This variant is present in population databases (rs145374241, gnomAD 0.009%). This variant has not been reported in the literature in individuals affected with IL17RC-related conditions. ClinVar contains an entry for this variant (Variation ID: 1991341). An algorithm developed to predict the effect of missense changes on protein structure and function (PolyPhen-2) suggests that this variant is likely to be tolerated. In summary, the available evidence is currently insufficient to determine the role of this variant in disease. Therefore, it has been classified as a Variant of Uncertain Significance.